The following is an entry in ClinVar:

ClinVar aggregate classification (germline): Uncertain significance (1 of 4 stars; one submission).

gnomAD v4.1: 2 of 1,614,102 alleles (0.00012%); highest among the groups gnomAD compares: Non-Finnish European, 0.00017%; no homozygotes.

Submission:

Women's Health and Genetics/Laboratory Corporation of America, LabCorp
Classification: Uncertain significance. Last evaluated: 2026-02-20. Review status: criteria provided, single submitter. Criteria: LabCorp Variant Classification Summary - May 2015. Collection method: clinical testing. Allele origin: germline.
Comment: Variant summary: ASH1L c.4438G>C (p.Glu1480Gln) results in a conservative amino acid change in the encoded protein sequence. Algorithms developed to predict the effect of missense changes on protein structure and function are either unavailable or do not agree on the potential impact of this missense change. The variant was absent in 251402 control chromosomes. The available data on variant occurrences in the general population are insufficient to allow any conclusion about variant significance. To our knowledge, no occurrence of c.4438G>C in individuals affected with ASH1L-related conditions and no experimental evidence demonstrating its impact on protein function have been reported. No submitters have cited clinical-significance assessments for this variant to ClinVar. Based on the evidence outlined above, the variant was classified as uncertain significance.

NM_018489.3(ASH1L):c.4438G>C (p.Glu1480Gln)

Gene: ASH1L (ASH1 like histone lysine methyltransferase; minus strand). Cytogenetic location: 1q22.
Variant type: single nucleotide variant.
Coding change: c.4438G>C on transcript NM_018489.3 (MANE Select); coding-DNA position 4438, G replaced by C.
Protein change: p.Glu1480Gln; replaces glutamic acid 1480 with glutamine.
Molecular consequence: missense variant.
Genome position (GRCh38, 1-based): chr1:155,478,432, C>G on the plus strand (G>C on the coding strand, the complement: ASH1L is on the minus strand). VCF-style: chr1-155478432-C-G. GRCh37 (hg19) VCF-style: chr1-155448223-C-G.
Other names: c.4438G>C, p.Glu1480Gln (NM_001366177.2); short protein forms E1480Q.
Identifiers: ClinVar variation 4848203 (VCV004848203.1).